The following is an entry in ClinVar:

NM_052859.4(RFT1):c.1540G>A (p.Gly514Arg)

Gene: RFT1 (RFT1 glycolipid translocator homolog; minus strand). Cytogenetic location: 3p21.1.
Variant type: single nucleotide variant.
Coding change: c.1540G>A on transcript NM_052859.4 (MANE Select); coding-DNA position 1540, G replaced by A.
Protein change: p.Gly514Arg; replaces glycine 514 with arginine.
Molecular consequence: missense variant.
Genome position (GRCh38, 1-based): chr3:53,091,989, C>T on the plus strand (G>A on the coding strand, the complement: RFT1 is on the minus strand). VCF-style: chr3-53091989-C-T. GRCh37 (hg19) VCF-style: chr3-53126005-C-T.
Other names: short protein forms G514R.
Identifiers: ClinVar variation 1467314 (VCV001467314.8), dbSNP rs927269749, ClinGen allele CA74822316.

ClinVar aggregate classification (germline): Uncertain significance (1 of 4 stars; one submission).

Conditions:
RFT1-congenital disorder of glycosylation (CDG1N). Also called: CDG In; Congenital disorder of glycosylation type In; RFT1-CDG. Identifiers: Orphanet 244310, MedGen C2677590, MONDO:0012783, OMIM 612015.

Allele frequency attached by ClinVar (database versions not stated): gnomAD exomes below 0.00001; gnomAD 0.00001; TOPMed 0.00002.
gnomAD v4.1: 9 of 1,614,120 alleles (0.00056%); highest among the groups gnomAD compares: African/African-American, 0.0027%; no homozygotes.

Submission:

Labcorp Genetics (formerly Invitae), Labcorp
Classification: Uncertain significance for RFT1-congenital disorder of glycosylation. Last evaluated: 2021-05-14. Review status: criteria provided, single submitter. Criteria: Invitae Variant Classification Sherloc (09022015). Collection method: clinical testing. Allele origin: germline.
Comment: In summary, the available evidence is currently insufficient to determine the role of this variant in disease. Therefore, it has been classified as a Variant of Uncertain Significance. Algorithms developed to predict the effect of missense changes on protein structure and function output the following: SIFT: "Tolerated"; PolyPhen-2: "Benign"; Align-GVGD: "Class C0". The arginine amino acid residue is found in multiple mammalian species, suggesting that this missense change does not adversely affect protein function. These predictions have not been confirmed by published functional studies and their clinical significance is uncertain. This variant has not been reported in the literature in individuals with RFT1-related conditions. This variant is not present in population databases (ExAC no frequency). This sequence change replaces glycine with arginine at codon 514 of the RFT1 protein (p.Gly514Arg). The glycine residue is moderately conserved and there is a moderate physicochemical difference between glycine and arginine.